The following is an entry in ClinVar:

NM_000091.5(COL4A3):c.94_95del (p.Val32fs)

Genes: MFF-DT (MFF divergent transcript; minus strand), COL4A3 (collagen type IV alpha 3 chain; plus strand). Cytogenetic location: 2q36.3.
Variant type: Microsatellite.
Coding change: c.94_95del on transcript NM_000091.5 (MANE Select); coding-DNA positions 94 to 95, 2 bases deleted (GT; older notation c.94_95delGT).
Protein change: p.Val32fs; shifts the reading frame from valine 32.
Molecular consequence: frameshift variant.
Genome position (GRCh38, 1-based): chr2:227,237,974-227,237,975, GT deleted; deleting any 2 consecutive bases within chr2:227,237,971-227,237,975 gives the same sequence; the c. name uses the placement nearest the transcript's 3' end. VCF-style (leftmost placement, unchanged base first): chr2-227237970-TTG-T. GRCh37 (hg19) VCF-style: chr2-228102686-TTG-T.
Other names: short protein forms V32fs.
Identifiers: ClinVar variation 1725980 (VCV001725980.2), dbSNP rs1385106410, ClinGen allele CA2580616723.
Genomic context (GRCh38, chr2:227,237,970, plus strand): 5'-CGGTTGGGATTTATTCAGCTGTTTCTAAACAAAACCCTTTCTCTTTCCCTCTTCCTAGGG[TTG>T]TGTCTGTAAAGACAAAGGCCAGTGCTTCTGTGACGGGGCCAAAGGGGAGAAGGTAAAAAC-3'

ClinVar aggregate classification (germline): Likely pathogenic (1 of 4 stars; one submission).

Conditions:
Autosomal recessive Alport syndrome (ATS2). Also called: Alport syndrome type 2; COL4A4 Alport Syndrome and Thin Basement Membrane Nephropathy; ALPORT SYNDROME 2, AUTOSOMAL RECESSIVE; COL4A3-Related Nephropathy. Identifiers: Orphanet 63, Orphanet 88919, MedGen C4746745, MONDO:0008762, OMIM 203780.

Submission:

Myriad Genetics, Inc.
Classification: Likely pathogenic for Autosomal recessive Alport syndrome. Last evaluated: 2022-04-29. Review status: criteria provided, single submitter. Criteria: Myriad Women's Health Autosomal Recessive and X-Linked Classification Criteria (2021). Collection method: clinical testing. Allele origin: unknown.
Comment: NM_000091.4(COL4A3):c.94_95delGT(V32Lfs*2) is expected to be pathogenic in the context of COL4A3-related Alport syndrome. This variant is predicted to lead to an abnormal or absent protein product due to the creation of a premature termination codon in COL4A3, a gene where loss-of-function variants are known to be pathogenic. Please note: this variant was assessed in the context of healthy population screening.